The following is an entry in ClinVar:

ClinVar aggregate classification (germline): Likely pathogenic. Review status: criteria provided, multiple submitters, no conflicts (2 of 4 stars). 3 submissions from 3 submitters: Likely pathogenic (2). 1 of the submissions does not count toward it. Last evaluated 2025-12-19.

Conditions:
Galactosylceramide beta-galactosidase deficiency. Also called: GALACTOCEREBROSIDASE DEFICIENCY; GALC DEFICIENCY; GLOBOID CELL LEUKOENCEPHALOPATHY; Leukodystrophy, Globoid Cell; Krabbe Disease. Identifiers: Orphanet 487, MedGen C0023521, MONDO:0009499, OMIM 245200.

Allele frequency attached by ClinVar (database versions not stated): gnomAD exomes below 0.00001; ExAC 0.00001.
gnomAD v4.1: 5 of 1,613,552 alleles (0.00031%); highest among the groups gnomAD compares: Non-Finnish European, 0.00042%; no homozygotes.

Submissions (3):

Labcorp Genetics (formerly Invitae), Labcorp
Classification: Likely pathogenic for Galactosylceramide beta-galactosidase deficiency. Last evaluated: 2025-12-19. Review status: criteria provided, single submitter. Criteria: Invitae Variant Classification Sherloc (09022015). Collection method: clinical testing. Allele origin: germline.
Comment: This sequence change replaces asparagine, which is neutral and polar, with threonine, which is neutral and polar, at codon 295 of the GALC protein (p.Asn295Thr). This variant is present in population databases (rs746922378, gnomAD 0.007%). This missense change has been observed in individual(s) with globoid cell leukodystrophy (PMID: 9338580). This variant is also known as N279T. ClinVar contains an entry for this variant (Variation ID: 551188). Invitae Evidence Modeling of protein sequence and biophysical properties (such as structural, functional, and spatial information, amino acid conservation, physicochemical variation, residue mobility, and thermodynamic stability) indicates that this missense variant is expected to disrupt GALC protein function with a positive predictive value of 95%. Experimental studies have shown that this missense change affects GALC function (PMID: 27126738). This variant disrupts the p.Asn295 amino acid residue in GALC. Other variant(s) that disrupt this residue have been determined to be pathogenic (PMID: 27638593, 30777126; internal data). This suggests that this residue is clinically significant, and that variants that disrupt this residue are likely to be disease-causing. In summary, the currently available evidence indicates that the variant is pathogenic, but additional data are needed to prove that conclusively. Therefore, this variant has been classified as Likely Pathogenic.

Natera, Inc.
Classification: Likely pathogenic for Galactosylceramide beta-galactosidase deficiency. Last evaluated: 2024-03-27. Review status: criteria provided, single submitter. Criteria: Natera Variant Classification Schema (03/2026). Collection method: clinical testing. Allele origin: germline.
Comment: The c.884A>C variant in GALC is a missense variant predicted to cause substitution of asparagine to threonine at amino acid 295. This variant is rare in the general population with a frequency below the threshold expected for the associated phenotype(s). This variant has been observed in one or more individuals affected with the associated recessive disease, as either homozygous or compound heterozygous with a second variant (PMID: 20886637). Computational prediction algorithms indicate this variant is likely to affect gene or protein function. Given the available evidence, this variant is classified as Likely Pathogenic.

Counsyl
Classification: Likely pathogenic for Galactosylceramide beta-galactosidase deficiency. Last evaluated: 2017-03-24. Review status: no assertion criteria provided. Collection method: clinical testing. Allele origin: unknown. Not counted in ClinVar's aggregate classification.

Literature cited by the submitters: PubMed 9338580 (cited by Labcorp Genetics (formerly Invitae), Labcorp and Counsyl); PubMed 27126738 (cited by Labcorp Genetics (formerly Invitae), Labcorp and Counsyl); PubMed 27638593 (cited by Labcorp Genetics (formerly Invitae), Labcorp); PubMed 30777126 (cited by Labcorp Genetics (formerly Invitae), Labcorp); PubMed 20886637 (cited by Natera, Inc. and Counsyl); PubMed 24913062 (cited by Counsyl); PubMed 21876145 (cited by Counsyl).

NM_000153.4(GALC):c.884A>C (p.Asn295Thr)

Gene: GALC (galactosylceramidase; minus strand). Cytogenetic location: 14q31.3.
Variant type: single nucleotide variant.
Coding change: c.884A>C on transcript NM_000153.4 (MANE Select); coding-DNA position 884, A replaced by C.
Protein change: p.Asn295Thr; replaces asparagine 295 with threonine.
Molecular consequence: missense variant.
Genome position (GRCh38, 1-based): chr14:87,968,359, T>G on the plus strand (A>C on the coding strand, the complement: GALC is on the minus strand). VCF-style: chr14-87968359-T-G. GRCh37 (hg19) VCF-style: chr14-88434703-T-G.
Other names: c.815A>C, p.Asn272Thr (NM_001201401.2); c.806A>C, p.Asn269Thr (NM_001201402.2); short protein forms N295T, N269T, N272T.
Identifiers: ClinVar variation 551188 (VCV000551188.4), dbSNP rs746922378, ClinGen allele CA7297224.